The following is an entry in ClinVar:

ClinVar aggregate classification (germline): Uncertain significance (1 of 4 stars; one submission).

Submission:

Labcorp Genetics (formerly Invitae), Labcorp
Classification: Uncertain significance. Last evaluated: 2023-08-05. Review status: criteria provided, single submitter. Criteria: Invitae Variant Classification Sherloc (09022015). Collection method: clinical testing. Allele origin: germline.
Comment: This sequence change replaces aspartic acid, which is acidic and polar, with asparagine, which is neutral and polar, at codon 77 of the ANGPT1 protein (p.Asp77Asn). This variant is not present in population databases (gnomAD no frequency). This variant has not been reported in the literature in individuals affected with ANGPT1-related conditions. An algorithm developed to predict the effect of missense changes on protein structure and function (PolyPhen-2) suggests that this variant is likely to be disruptive. In summary, the available evidence is currently insufficient to determine the role of this variant in disease. Therefore, it has been classified as a Variant of Uncertain Significance.

NM_001146.5(ANGPT1):c.229G>A (p.Asp77Asn)

Gene: ANGPT1 (angiopoietin 1; minus strand). Cytogenetic location: 8q23.1.
Variant type: single nucleotide variant.
Coding change: c.229G>A on transcript NM_001146.5 (MANE Select); coding-DNA position 229, G replaced by A.
Protein change: p.Asp77Asn; replaces aspartic acid 77 with asparagine.
Molecular consequence: missense variant.
Genome position (GRCh38, 1-based): chr8:107,497,330, C>T on the plus strand (G>A on the coding strand, the complement: ANGPT1 is on the minus strand). VCF-style: chr8-107497330-C-T. GRCh37 (hg19) VCF-style: chr8-108509558-C-T.
Other names: c.229G>A, p.Asp77Asn (NM_001199859.3); short protein forms D77N.
Identifiers: ClinVar variation 2974914 (VCV002974914.3), dbSNP rs774918487, ClinGen allele CA372035248.